The following is an entry in ClinVar:

ClinVar aggregate classification (germline): Uncertain significance (1 of 4 stars; one submission).

Conditions:
Familial thoracic aortic aneurysm and aortic dissection (TAAD). Also called: Thoracic aortic aneurysms and dissections. Identifiers: Orphanet 91387, MedGen C4707243, MONDO:0019625.

gnomAD v4.1: 2 of 1,202,556 alleles (0.00017%); highest among the groups gnomAD compares: Non-Finnish European, 0.00023%; no homozygotes.

Submission:

Ambry Genetics
Classification: Uncertain significance for Familial thoracic aortic aneurysm and aortic dissection. Last evaluated: 2024-05-30. Review status: criteria provided, single submitter. Criteria: Ambry Variant Classification Scheme 2023. Collection method: clinical testing. Allele origin: germline.
Comment: The p.P1195S variant (also known as c.3583C>T), located in coding exon 26 of the MED12 gene, results from a C to T substitution at nucleotide position 3583. The proline at codon 1195 is replaced by serine, an amino acid with similar properties. This amino acid position is conserved. In addition, this alteration is predicted to be tolerated by in silico analysis. Based on the available evidence, the clinical significance of this variant remains unclear.

NM_005120.3(MED12):c.3583C>T (p.Pro1195Ser)

Gene: MED12 (mediator complex subunit 12; plus strand). Cytogenetic location: Xq13.1.
Variant type: single nucleotide variant.
Coding change: c.3583C>T on transcript NM_005120.3 (MANE Select); coding-DNA position 3583, C replaced by T.
Protein change: p.Pro1195Ser; replaces proline 1195 with serine.
Molecular consequence: missense variant.
Genome position (GRCh38, 1-based): chrX:71,129,321, C>T. VCF-style: chrX-71129321-C-T. GRCh37 (hg19) VCF-style: chrX-70349171-C-T.
Other names: short protein forms P1195S.
Identifiers: ClinVar variation 3293960 (VCV003293960.1).